The following is an entry in ClinVar:

ClinVar aggregate classification (germline): Uncertain significance (1 of 4 stars; one submission).

Conditions:
Tuberous sclerosis 2 (TSC2). Identifiers: Orphanet 805, MedGen C1860707, MONDO:0013199, OMIM 613254.

gnomAD v4.1: 1 of 1,611,826 alleles (0.000062%); highest among the groups gnomAD compares: Admixed American, 0.0017%; no homozygotes.

Submission:

Labcorp Genetics (formerly Invitae), Labcorp
Classification: Uncertain significance for Tuberous sclerosis 2. Last evaluated: 2023-07-03. Review status: criteria provided, single submitter. Criteria: Invitae Variant Classification Sherloc (09022015). Collection method: clinical testing. Allele origin: germline.
Comment: This sequence change falls in intron 37 of the TSC2 gene. It does not directly change the encoded amino acid sequence of the TSC2 protein. It affects a nucleotide within the consensus splice site. This variant is not present in population databases (gnomAD no frequency). This variant has not been reported in the literature in individuals affected with TSC2-related conditions. Variants that disrupt the consensus splice site are a relatively common cause of aberrant splicing (PMID: 17576681, 9536098). Algorithms developed to predict the effect of sequence changes on RNA splicing suggest that this variant is not likely to affect RNA splicing. In summary, the available evidence is currently insufficient to determine the role of this variant in disease. Therefore, it has been classified as a Variant of Uncertain Significance.

Literature cited by the submitters: PubMed 17576681; PubMed 9536098.

NM_000548.5(TSC2):c.4849+4C>G

Gene: TSC2 (TSC complex subunit 2; plus strand). Cytogenetic location: 16p13.3.
Variant type: single nucleotide variant.
Coding change: c.4849+4C>G on transcript NM_000548.5 (MANE Select); 4 bases into the intron after coding-DNA position 4849, C replaced by G.
Molecular consequence: intron variant.
Genome position (GRCh38, 1-based): chr16:2,086,383, C>G. VCF-style: chr16-2086383-C-G. GRCh37 (hg19) VCF-style: chr16-2136384-C-G.
Other names: c.3307+4C>G (NM_001406693.1, NM_001406692.1, NM_001406694.1); c.4741+4C>G (NM_001406667.1); c.4738+4C>G (NM_001406668.1); c.4249+4C>G (NM_001406680.1); c.4180+4C>G (NM_001406683.1, NM_001406682.1); c.4048+4C>G (NM_001406687.1, NM_001406688.1); c.3436+4C>G (NM_001406689.1); c.3376+4C>G (NM_001406690.1); and 26 more.
Identifiers: ClinVar variation 2838343 (VCV002838343.3), dbSNP rs370426490, ClinGen allele CA2631124282.